The following is an entry in ClinVar:

NM_004336.5(BUB1):c.2198C>G (p.Ala733Gly)

Gene: BUB1 (BUB1 mitotic checkpoint serine/threonine kinase; minus strand). Cytogenetic location: 2q13.
Variant type: single nucleotide variant.
Coding change: c.2198C>G on transcript NM_004336.5 (MANE Select); coding-DNA position 2198, C replaced by G.
Protein change: p.Ala733Gly; replaces alanine 733 with glycine.
Molecular consequence: missense variant.
Genome position (GRCh38, 1-based): chr2:110,650,551, G>C on the plus strand (C>G on the coding strand, the complement: BUB1 is on the minus strand). VCF-style: chr2-110650551-G-C. GRCh37 (hg19) VCF-style: chr2-111408128-G-C.
Other names: c.2138C>G, p.Ala713Gly (NM_001278616.2); c.2198C>G, p.Ala733Gly (NM_001278617.2); short protein forms A713G, A733G.
Identifiers: ClinVar variation 1787514 (VCV001787514.3), dbSNP rs771803937, ClinGen allele CA1827874.

ClinVar aggregate classification (germline): Uncertain significance (1 of 4 stars; one submission).

Allele frequency attached by ClinVar (database versions not stated): ExAC 0.00001; gnomAD exomes 0.00001.
gnomAD v4.1: 5 of 1,612,734 alleles (0.00031%); highest among the groups gnomAD compares: Middle Eastern, 0.083%; no homozygotes.

Submission:

Ambry Genetics
Classification: Uncertain significance. Last evaluated: 2024-07-05. Review status: criteria provided, single submitter. Criteria: Ambry Variant Classification Scheme 2023. Collection method: clinical testing. Allele origin: germline.
Comment: The p.A733G variant (also known as c.2198C>G), located in coding exon 18 of the BUB1 gene, results from a C to G substitution at nucleotide position 2198. The alanine at codon 733 is replaced by glycine, an amino acid with similar properties. This amino acid position is conserved. In addition, this alteration is predicted to be tolerated by in silico analysis. Since supporting evidence is limited at this time, the clinical significance of this alteration remains unclear.